The following is an entry in ClinVar:

ClinVar aggregate classification (germline): Uncertain significance. Review status: criteria provided, multiple submitters, no conflicts (2 of 4 stars). 3 submissions from 3 submitters: Uncertain significance (3). Last evaluated 2023-01-14.

Allele frequency attached by ClinVar (database versions not stated): gnomAD exomes below 0.00001 and 0.00001.
gnomAD v4.1: 6 of 1,583,260 alleles (0.00038%); highest among the groups gnomAD compares: African/African-American, 0.0067%; no homozygotes.

Submissions (3):

Labcorp Genetics (formerly Invitae), Labcorp
Classification: Uncertain significance. Last evaluated: 2023-01-14. Review status: criteria provided, single submitter. Criteria: Invitae Variant Classification Sherloc (09022015). Collection method: clinical testing. Allele origin: germline.
Comment: The frequency data for this variant in the population databases is considered unreliable, as metrics indicate poor data quality at this position in the gnomAD database. This missense change has been observed in individual(s) with clinical features of retinitis pigmentosa (Invitae). In at least one individual the data is consistent with being in trans (on the opposite chromosome) from a pathogenic variant. ClinVar contains an entry for this variant (Variation ID: 1046576). Advanced modeling of protein sequence and biophysical properties (such as structural, functional, and spatial information, amino acid conservation, physicochemical variation, residue mobility, and thermodynamic stability) has been performed at Invitae for this missense variant, however the output from this modeling did not meet the statistical confidence thresholds required to predict the impact of this variant on PDE6B protein function. In summary, the available evidence is currently insufficient to determine the role of this variant in disease. Therefore, it has been classified as a Variant of Uncertain Significance. This sequence change replaces cysteine, which is neutral and slightly polar, with tyrosine, which is neutral and polar, at codon 122 of the PDE6B protein (p.Cys122Tyr).

Blueprint Genetics
Classification: Uncertain significance. Last evaluated: 2022-09-13. Review status: criteria provided, single submitter. Criteria: ACMG Guidelines, 2015. Collection method: clinical testing. Allele origin: germline.

GeneDx
Classification: Uncertain significance. Last evaluated: 2020-10-15. Review status: criteria provided, single submitter. Criteria: GeneDx Variant Classification Process June 2021. Collection method: clinical testing. Allele origin: germline. Affected: yes.
Comment: In silico analysis, which includes protein predictors and evolutionary conservation, supports a deleterious effect; Has not been previously published as pathogenic or benign to our knowledge

NM_000283.4(PDE6B):c.365G>A (p.Cys122Tyr)

Gene: PDE6B (phosphodiesterase 6B; plus strand). Cytogenetic location: 4p16.3.
Variant type: single nucleotide variant.
Coding change: c.365G>A on transcript NM_000283.4 (MANE Select); coding-DNA position 365, G replaced by A.
Protein change: p.Cys122Tyr; replaces cysteine 122 with tyrosine.
Molecular consequence: missense variant.
Genome position (GRCh38, 1-based): chr4:625,991, G>A. VCF-style: chr4-625991-G-A. GRCh37 (hg19) VCF-style: chr4-619780-G-A.
Other names: c.365G>A, p.Cys122Tyr (NM_001145291.2); short protein forms C122Y.
Identifiers: ClinVar variation 1046576 (VCV001046576.12), dbSNP rs1313437038, ClinGen allele CA355906972.